The following is an entry in ClinVar:

ClinVar aggregate classification (germline): Uncertain significance (1 of 4 stars; one submission).

Submission:

GeneDx
Classification: Uncertain significance. Last evaluated: 2022-09-12. Review status: criteria provided, single submitter. Criteria: GeneDx Variant Classification Process June 2021. Collection method: clinical testing. Allele origin: germline. Affected: yes.
Comment: Not observed at significant frequency in large population cohorts (gnomAD); In silico analysis supports that this missense variant has a deleterious effect on protein structure/function; Has not been previously published as pathogenic or benign to our knowledge

NM_003024.3(ITSN1):c.10T>C (p.Phe4Leu)

Gene: ITSN1 (intersectin 1; plus strand). Cytogenetic location: 21q22.11.
Variant type: single nucleotide variant.
Coding change: c.10T>C on transcript NM_003024.3 (MANE Select); coding-DNA position 10, T replaced by C.
Protein change: p.Phe4Leu; replaces phenylalanine 4 with leucine.
Molecular consequence: missense variant.
Genome position (GRCh38, 1-based): chr21:33,718,838, T>C. VCF-style: chr21-33718838-T-C. GRCh37 (hg19) VCF-style: chr21-35091143-T-C.
Other names: c.10T>C, p.Phe4Leu (NM_001001132.2, NM_001331008.2, NM_001331009.2 and 3 more transcripts); short protein forms F4L.
Identifiers: ClinVar variation 2443562 (VCV002443562.1), dbSNP rs2518819727, ClinGen allele CA410191767.